The following is an entry in ClinVar:

ClinVar aggregate classification (germline): Likely benign. Review status: criteria provided, multiple submitters, no conflicts (2 of 4 stars). 2 submissions from 2 submitters: Likely benign (2). Last evaluated 2024-07-16.

Conditions:
Cerebral creatine deficiency syndrome. Also called: Creatine deficiency syndromes. Identifiers: Orphanet 79172, MedGen C5244016, MONDO:0000456.

Allele frequency attached by ClinVar (database versions not stated): TOPMed 0.00001.

Submissions (2):

Labcorp Genetics (formerly Invitae), Labcorp
Classification: Likely benign for Cerebral creatine deficiency syndrome. Last evaluated: 2024-07-16. Review status: criteria provided, single submitter. Criteria: Invitae Variant Classification Sherloc (09022015). Collection method: clinical testing. Allele origin: germline.

GeneDx
Classification: Likely benign. Last evaluated: 2015-11-11. Review status: criteria provided, single submitter. Criteria: GeneDx Variant Classification (06012015). Collection method: clinical testing. Allele origin: germline. Affected: yes.
Comment: This variant is considered likely benign or benign based on one or more of the following criteria: it is a conservative change, it occurs at a poorly conserved position in the protein, it is predicted to be benign by multiple in silico algorithms, and/or has population frequency not consistent with disease.

NM_000156.6(GAMT):c.460-9C>T

Gene: GAMT (guanidinoacetate N-methyltransferase; minus strand). Cytogenetic location: 19p13.3.
Variant type: single nucleotide variant.
Coding change: c.460-9C>T on transcript NM_000156.6 (MANE Select); 9 bases into the intron before coding-DNA position 460, C replaced by T.
Molecular consequence: intron variant.
Genome position (GRCh38, 1-based): chr19:1,399,035, G>A on the plus strand (C>T on the coding strand, the complement: GAMT is on the minus strand). VCF-style: chr19-1399035-G-A. GRCh37 (hg19) VCF-style: chr19-1399034-G-A.
Other names: c.460-9C>T (NM_138924.3).
Identifiers: ClinVar variation 381503 (VCV000381503.8), dbSNP rs900568054, ClinGen allele CA16608184.